The following is an entry in ClinVar:

NM_000159.4(GCDH):c.49C>G (p.Leu17Val)

Genes: GCDH (glutaryl-CoA dehydrogenase; plus strand), LOC117125594 (CRISPRi-FlowFISH-validated KLF1 regulatory element; plus strand). Cytogenetic location: 19p13.13.
Variant type: single nucleotide variant.
Coding change: c.49C>G on transcript NM_000159.4 (MANE Select); coding-DNA position 49, C replaced by G.
Protein change: p.Leu17Val; replaces leucine 17 with valine.
Molecular consequence: missense variant. On other transcripts: non-coding transcript variant (2).
Genome position (GRCh38, 1-based): chr19:12,891,353, C>G. VCF-style: chr19-12891353-C-G. GRCh37 (hg19) VCF-style: chr19-13002167-C-G.
Other names: c.49C>G, p.Leu17Val (NM_013976.5); short protein forms L17V.
Identifiers: ClinVar variation 2063110 (VCV002063110.4), dbSNP rs1295141904, ClinGen allele CA404313174.

ClinVar aggregate classification (germline): Uncertain significance (1 of 4 stars; one submission).

Conditions:
Glutaric aciduria, type 1. Also called: Glutaryl-CoA dehydrogenase deficiency; Glutaric acidemia type I; Glutaricaciduria, type I; GA I; Glutaric Acidemia Type 1; Glutaricacidemia Type 1. Identifiers: Orphanet 25, MedGen C0268595, MONDO:0009281, OMIM 231670.

Submission:

Labcorp Genetics (formerly Invitae), Labcorp
Classification: Uncertain significance for Glutaric aciduria, type 1. Last evaluated: 2021-12-27. Review status: criteria provided, single submitter. Criteria: Invitae Variant Classification Sherloc (09022015). Collection method: clinical testing. Allele origin: germline.
Comment: Advanced modeling of protein sequence and biophysical properties (such as structural, functional, and spatial information, amino acid conservation, physicochemical variation, residue mobility, and thermodynamic stability) performed at Invitae indicates that this missense variant is not expected to disrupt GCDH protein function. In summary, the available evidence is currently insufficient to determine the role of this variant in disease. Therefore, it has been classified as a Variant of Uncertain Significance. This variant has not been reported in the literature in individuals affected with GCDH-related conditions. This variant is not present in population databases (gnomAD no frequency). This sequence change replaces leucine, which is neutral and non-polar, with valine, which is neutral and non-polar, at codon 17 of the GCDH protein (p.Leu17Val).